The following is an entry in ClinVar:

NM_001128431.4(SLC39A14):c.392C>T (p.Thr131Ile)

Gene: SLC39A14 (solute carrier family 39 member 14; plus strand). Cytogenetic location: 8p21.3.
Variant type: single nucleotide variant.
Coding change: c.392C>T on transcript NM_001128431.4 (MANE Select); coding-DNA position 392, C replaced by T.
Protein change: p.Thr131Ile; replaces threonine 131 with isoleucine.
Molecular consequence: missense variant.
Genome position (GRCh38, 1-based): chr8:22,408,431, C>T. VCF-style: chr8-22408431-C-T. GRCh37 (hg19) VCF-style: chr8-22265944-C-T.
Other names: c.392C>T, p.Thr131Ile (NM_001135153.3, NM_001135154.3, NM_001351655.2 and 3 more transcripts); c.422C>T, p.Thr141Ile (NM_001351657.2, NM_001351658.2, NM_001351659.2); short protein forms T131I, T141I.
Identifiers: ClinVar variation 1958360 (VCV001958360.5), dbSNP rs186225449, ClinGen allele CA4667293.

ClinVar aggregate classification (germline): Uncertain significance (1 of 4 stars; one submission).

Allele frequency attached by ClinVar (database versions not stated): ESP Exome Variant Server 0.00008.

Submission:

Labcorp Genetics (formerly Invitae), Labcorp
Classification: Uncertain significance. Last evaluated: 2024-10-21. Review status: criteria provided, single submitter. Criteria: Invitae Variant Classification Sherloc (09022015). Collection method: clinical testing. Allele origin: germline.
Comment: This sequence change replaces threonine, which is neutral and polar, with isoleucine, which is neutral and non-polar, at codon 131 of the SLC39A14 protein (p.Thr131Ile). This variant is present in population databases (rs186225449, gnomAD 0.003%). This variant has not been reported in the literature in individuals affected with SLC39A14-related conditions. ClinVar contains an entry for this variant (Variation ID: 1958360). Invitae Evidence Modeling of protein sequence and biophysical properties (such as structural, functional, and spatial information, amino acid conservation, physicochemical variation, residue mobility, and thermodynamic stability) indicates that this missense variant is not expected to disrupt SLC39A14 protein function with a negative predictive value of 80%. In summary, the available evidence is currently insufficient to determine the role of this variant in disease. Therefore, it has been classified as a Variant of Uncertain Significance.